The following is an entry in ClinVar:

NM_020975.6(RET):c.861G>T (p.Arg287=)

Gene: RET (ret proto-oncogene; plus strand). Cytogenetic location: 10q11.21.
Variant type: single nucleotide variant.
Coding change: c.861G>T on transcript NM_020975.6 (MANE Select); coding-DNA position 861, G replaced by T.
Protein change: p.Arg287=; no amino-acid change (arginine 287 retained).
Molecular consequence: synonymous variant. On other transcripts: intron variant (22).
Genome position (GRCh38, 1-based): chr10:43,105,187, G>T. VCF-style: chr10-43105187-G-T. GRCh37 (hg19) VCF-style: chr10-43600635-G-T.
Other names: c.99G>T, p.Arg33= (NM_001355216.2); c.861G>T, p.Arg287= (NM_001406743.1, NM_001406744.1, NM_001406759.1 and 6 more transcripts); c.732G>T, p.Arg244= (NM_001406761.1, NM_001406762.1, NM_001406764.1 and 2 more transcripts); c.573G>T, p.Arg191= (NM_001406766.1, NM_001406767.1, NM_001406770.1); c.625+2558G>T (NM_001406773.1, NM_001406771.1, NM_001406782.1 and 5 more transcripts); c.496+2558G>T (NM_001406786.1, NM_001406783.1); c.338-3844G>T (NM_001406778.1, NM_001406775.1, NM_001406776.1 and 1 more transcripts); c.337+4465G>T (NM_001406790.1, NM_001406788.1, NM_001406789.1 and 1 more transcripts); and 2 more.
Identifiers: ClinVar variation 3788310 (VCV003788310.1).

ClinVar aggregate classification (germline): Uncertain significance (1 of 4 stars; one submission).

Conditions:
Hereditary cancer-predisposing syndrome. Also called: Neoplastic Syndromes, Hereditary; Hereditary Cancer Syndrome; Tumor predisposition; Hereditary neoplastic syndrome. Identifiers: Orphanet 140162, MedGen C0027672, MeSH D009386, MONDO:0015356.

Submission:

Ambry Genetics
Classification: Uncertain significance for Hereditary cancer-predisposing syndrome. Last evaluated: 2025-01-10. Review status: criteria provided, single submitter. Criteria: Ambry Variant Classification Scheme 2023. Collection method: clinical testing. Allele origin: germline.
Comment: The c.861G>T variant (also known as p.R287R), located in coding exon 4 of the RET gene, results from a G to T substitution at nucleotide position 861. This nucleotide substitution does not change the arginine at codon 287. This nucleotide position is not well conserved in available vertebrate species. In silico splice site analysis predicts that this alteration will result in the creation or strengthening of a novel splice donor site. Based on the available evidence, the clinical significance of this variant remains unclear.